The following is an entry in ClinVar:

ClinVar aggregate classification (germline): Uncertain significance (1 of 4 stars; one submission).

Submission:

GeneDx
Classification: Uncertain significance. Last evaluated: 2026-03-27. Review status: criteria provided, single submitter. Criteria: GeneDx Variant Classification Process June 2021. Collection method: clinical testing. Allele origin: germline.
Comment: Not observed at significant frequency in large population cohorts (gnomAD); In silico analysis supports that this missense variant has a deleterious effect on protein structure/function; Has not been previously published as pathogenic or benign to our knowledge

NM_001257180.2(SLC20A2):c.1783A>G (p.Thr595Ala)

Gene: SLC20A2 (solute carrier family 20 member 2; minus strand). Cytogenetic location: 8p11.21.
Variant type: single nucleotide variant.
Coding change: c.1783A>G on transcript NM_001257180.2 (MANE Select); coding-DNA position 1783, A replaced by G.
Protein change: p.Thr595Ala; replaces threonine 595 with alanine.
Molecular consequence: missense variant.
Genome position (GRCh38, 1-based): chr8:42,428,769, T>C on the plus strand (A>G on the coding strand, the complement: SLC20A2 is on the minus strand). VCF-style: chr8-42428769-T-C. GRCh37 (hg19) VCF-style: chr8-42286287-T-C.
Other names: c.1783A>G, p.Thr595Ala (NM_001257181.2, NM_006749.5); short protein forms T595A.
Identifiers: ClinVar variation 5017269 (VCV005017269.1).
Genomic context (GRCh38, chr8:42,428,769, plus strand): 5'-GACCTGTCCCAGCGGCCTGGGGAAGGGCTCCCGGCTAGCAGGGGCCTACCTTACAGTGCG[T>C]GGTGCTGACTGGAAGCCCGATGTTGGAGGCGATCACCACTGTGAAGGCTGAGGCCAGCTC-3'
Protein context (NP_001244109.1, residues 585-605): ASNIGLPVST[Thr595Ala]HCKVGSVVAV